The following is an entry in ClinVar:

NM_001211.6(BUB1B):c.2167T>C (p.Cys723Arg)

Gene: BUB1B (BUB1 mitotic checkpoint serine/threonine kinase B; plus strand). Cytogenetic location: 15q15.1.
Variant type: single nucleotide variant.
Coding change: c.2167T>C on transcript NM_001211.6 (MANE Select); coding-DNA position 2167, T replaced by C.
Protein change: p.Cys723Arg; replaces cysteine 723 with arginine.
Molecular consequence: missense variant.
Genome position (GRCh38, 1-based): chr15:40,209,658, T>C. VCF-style: chr15-40209658-T-C. GRCh37 (hg19) VCF-style: chr15-40501859-T-C.
Other names: short protein forms C723R.
Identifiers: ClinVar variation 4600630 (VCV004600630.1).

ClinVar aggregate classification (germline): Uncertain significance (1 of 4 stars; one submission).

Conditions:
Inborn genetic diseases. Identifiers: MedGen C0950123, MeSH D030342.

Submission:

Ambry Genetics
Classification: Uncertain significance for Inborn genetic diseases. Last evaluated: 2025-11-27. Review status: criteria provided, single submitter. Criteria: Ambry Variant Classification Scheme 2023. Collection method: clinical testing. Allele origin: germline.
Comment: The p.C723R variant (also known as c.2167T>C), located in coding exon 17 of the BUB1B gene, results from a T to C substitution at nucleotide position 2167. The cysteine at codon 723 is replaced by arginine, an amino acid with highly dissimilar properties. This amino acid position is conserved. In addition, the in silico prediction for this alteration is inconclusive. Based on the available evidence, the clinical significance of this variant remains unclear.